The following is an entry in ClinVar:

NM_001447.3(FAT2):c.8179G>C (p.Val2727Leu)

Genes: FAT2 (FAT atypical cadherin 2; minus strand), SLC36A1 (solute carrier family 36 member 1; plus strand). Cytogenetic location: 5q33.1.
Variant type: single nucleotide variant.
Coding change: c.8179G>C on transcript NM_001447.3 (MANE Select); coding-DNA position 8179, G replaced by C.
Protein change: p.Val2727Leu; replaces valine 2727 with leucine.
Molecular consequence: missense variant.
Genome position (GRCh38, 1-based): chr5:151,542,948, C>G on the plus strand (G>C on the coding strand, the complement: FAT2 is on the minus strand). VCF-style: chr5-151542948-C-G. GRCh37 (hg19) VCF-style: chr5-150922509-C-G.
Other names: short protein forms V2727L.
Identifiers: ClinVar variation 2787813 (VCV002787813.3), dbSNP rs2479842364, ClinGen allele CA361832553.

ClinVar aggregate classification (germline): Uncertain significance (1 of 4 stars; one submission).

Allele frequency attached by ClinVar (database versions not stated): gnomAD exomes below 0.00001.
gnomAD v4.1: 7 of 1,614,230 alleles (0.00043%); highest among the groups gnomAD compares: Non-Finnish European, 0.00059%; no homozygotes.

Submission:

Labcorp Genetics (formerly Invitae), Labcorp
Classification: Uncertain significance. Last evaluated: 2023-03-04. Review status: criteria provided, single submitter. Criteria: Invitae Variant Classification Sherloc (09022015). Collection method: clinical testing. Allele origin: germline.
Comment: This sequence change replaces valine, which is neutral and non-polar, with leucine, which is neutral and non-polar, at codon 2727 of the FAT2 protein (p.Val2727Leu). This variant is not present in population databases (gnomAD no frequency). This variant has not been reported in the literature in individuals affected with FAT2-related conditions. Advanced modeling of protein sequence and biophysical properties (such as structural, functional, and spatial information, amino acid conservation, physicochemical variation, residue mobility, and thermodynamic stability) performed at Invitae indicates that this missense variant is not expected to disrupt FAT2 protein function. In summary, the available evidence is currently insufficient to determine the role of this variant in disease. Therefore, it has been classified as a Variant of Uncertain Significance.